The following is an entry in ClinVar:

ClinVar aggregate classification (germline): Pathogenic (1 of 4 stars; one submission).

Conditions:
Kostmann syndrome (SCN3). Also called: KOSTMANN DISEASE; Autosomal recessive severe congenital neutropenia type 3. Identifiers: Orphanet 99749, MedGen C5235141, MONDO:0012548, OMIM 610738.

Submission:

Labcorp Genetics (formerly Invitae), Labcorp
Classification: Pathogenic for Kostmann syndrome. Last evaluated: 2023-04-22. Review status: criteria provided, single submitter. Criteria: Invitae Variant Classification Sherloc (09022015). Collection method: clinical testing. Allele origin: germline.
Comment: For these reasons, this variant has been classified as Pathogenic. This variant has not been reported in the literature in individuals affected with HAX1-related conditions. This variant is not present in population databases (gnomAD no frequency). This sequence change creates a premature translational stop signal (p.Leu6Serfs*22) in the HAX1 gene. It is expected to result in an absent or disrupted protein product. Loss-of-function variants in HAX1 are known to be pathogenic (PMID: 17187068).

Literature cited by the submitters: PubMed 17187068.

NM_006118.4(HAX1):c.16del (p.Leu6fs)

Gene: HAX1 (HCLS1 associated protein X-1; plus strand). Cytogenetic location: 1q21.3.
Variant type: Deletion.
Coding change: c.16del on transcript NM_006118.4 (MANE Select); coding-DNA position 16, one base deleted (C; older notation c.16delC).
Protein change: p.Leu6fs; shifts the reading frame from leucine 6.
Molecular consequence: frameshift variant.
Genome position (GRCh38, 1-based): chr1:154,272,739, C deleted. VCF-style (leftmost placement, unchanged base first): chr1-154272738-TC-T. GRCh37 (hg19) VCF-style: chr1-154245214-TC-T.
Other names: c.16del, p.Leu6fs (NM_001018837.2); short protein forms L6fs.
Identifiers: ClinVar variation 2858293 (VCV002858293.3), dbSNP rs2524924407, ClinGen allele CA2739275291.